The following is an entry in ClinVar:

ClinVar aggregate classification (germline): Likely benign. Review status: criteria provided, multiple submitters, no conflicts (2 of 4 stars). 6 submissions from 6 submitters: Likely benign (6). Last evaluated 2025-11-05.

Conditions:
HNF4A-related disorder. Also called: HNF4A-related condition.
Type 2 diabetes mellitus. Also called: Type II diabetes mellitus. Identifiers: MedGen C0011860, MeSH D003924, MONDO:0005148, OMIM 125853, HP:0005978.
Fanconi renotubular syndrome 4 with maturity-onset diabetes of the young (FRTS4). Also called: FRTS4 WITH MODY. Identifiers: Orphanet 93111, MedGen C4014962, MONDO:0014458, OMIM 616026.
Maturity-onset diabetes of the young type 1. Also called: MODY type 1; Diabetes mellitus MODY type 1; MODY HNF4A related; HNF4A-Related Maturity-Onset Diabetes of the Young Type 1; MILD JUVENILE DIABETES MELLITUS; MODY, type I. Identifiers: Orphanet 552, MedGen C1852093, MONDO:0007452, OMIM 125850. Disease mechanism: loss of function.
Maturity-onset diabetes of the young (MODY). Also called: Maturity onset diabetes mellitus in young. Identifiers: Orphanet 552, MedGen C0342276, MONDO:0018911, HP:0004904.

Allele frequency attached by ClinVar (database versions not stated): gnomAD 0.00001; ExAC 0.00003; TOPMed 0.00003; gnomAD exomes 0.00004.
gnomAD v4.1: 33 of 1,614,092 alleles (0.002%); highest among the groups gnomAD compares: Admixed American, 0.0083%; no homozygotes.

Submissions (6):

PreventionGenetics, part of Exact Sciences
Classification: Likely benign for HNF4A-related condition. Last evaluated: 2025-11-05. Review status: criteria provided, single submitter. Criteria: ACMG Guidelines, 2015. Collection method: clinical testing. Allele origin: germline.
Comment: This variant is classified as likely benign based on ACMG/AMP sequence variant interpretation guidelines (Richards et al. 2015 PMID: 25741868, with internal and published modifications).

Labcorp Genetics (formerly Invitae), Labcorp
Classification: Likely benign. Last evaluated: 2025-08-04. Review status: criteria provided, single submitter. Criteria: Invitae Variant Classification Sherloc (09022015). Collection method: clinical testing. Allele origin: germline.

Blueprint Genetics
Classification: Likely benign. Last evaluated: 2024-10-11. Review status: criteria provided, single submitter. Criteria: ACMG Guidelines, 2015. Collection method: clinical testing. Allele origin: germline.

Ambry Genetics
Classification: Likely benign for Maturity-onset diabetes of the young. Last evaluated: 2024-08-31. Review status: criteria provided, single submitter. Criteria: Ambry Variant Classification Scheme 2023. Collection method: clinical testing. Allele origin: germline.

Fulgent Genetics
Classification: Likely benign for Maturity-onset diabetes of the young type 1; Type 2 diabetes mellitus; Fanconi renotubular syndrome 4 with maturity-onset diabetes of the young. Last evaluated: 2021-12-26. Review status: criteria provided, single submitter. Criteria: ACMG Guidelines, 2015. Collection method: clinical testing. Allele origin: unknown.

Athena Diagnostics
Classification: Likely benign. Last evaluated: 2020-09-25. Review status: criteria provided, single submitter. Criteria: Athena Diagnostics criteria. Collection method: clinical testing. Allele origin: unknown.

NM_175914.5(HNF4A):c.468G>A (p.Ala156=)

Gene: HNF4A (hepatocyte nuclear factor 4 alpha; plus strand). Cytogenetic location: 20q13.12.
Variant type: single nucleotide variant.
Coding change: c.468G>A on transcript NM_175914.5 (MANE Select); coding-DNA position 468, G replaced by A.
Protein change: p.Ala156=; no amino-acid change (alanine 156 retained).
Molecular consequence: synonymous variant.
Genome position (GRCh38, 1-based): chr20:44,414,548, G>A. VCF-style: chr20-44414548-G-A. GRCh37 (hg19) VCF-style: chr20-43043188-G-A.
Other names: c.534G>A, p.Ala178= (NM_000457.6, NM_178849.3, NM_178850.3); c.468G>A, p.Ala156= (NM_001030003.3, NM_001030004.3); c.513G>A, p.Ala171= (NM_001258355.2); c.459G>A, p.Ala153= (NM_001287182.2, NM_001287183.2, NM_001287184.2); c.468G>A (NM_175914.3).
Identifiers: ClinVar variation 1256560 (VCV001256560.6), dbSNP rs758124162, ClinGen allele CA9870288.